The following is an entry in ClinVar:

ClinVar aggregate classification (germline): Uncertain significance (1 of 4 stars; one submission).

Allele frequency attached by ClinVar (database versions not stated): TOPMed below 0.00001.

Submission:

Labcorp Genetics (formerly Invitae), Labcorp
Classification: Uncertain significance. Last evaluated: 2024-10-22. Review status: criteria provided, single submitter. Criteria: Invitae Variant Classification Sherloc (09022015). Collection method: clinical testing. Allele origin: germline.
Comment: This sequence change replaces arginine, which is basic and polar, with serine, which is neutral and polar, at codon 234 of the FAM186B protein (p.Arg234Ser). This variant is not present in population databases (gnomAD no frequency). This variant has not been reported in the literature in individuals affected with FAM186B-related conditions. ClinVar contains an entry for this variant (Variation ID: 2017809). An algorithm developed to predict the effect of missense changes on protein structure and function (PolyPhen-2) suggests that this variant is likely to be disruptive. In summary, the available evidence is currently insufficient to determine the role of this variant in disease. Therefore, it has been classified as a Variant of Uncertain Significance.

NM_032130.3(FAM186B):c.702G>T (p.Arg234Ser)

Gene: FAM186B (family with sequence similarity 186 member B; minus strand). Cytogenetic location: 12q13.12.
Variant type: single nucleotide variant.
Coding change: c.702G>T on transcript NM_032130.3 (MANE Select); coding-DNA position 702, G replaced by T.
Protein change: p.Arg234Ser; replaces arginine 234 with serine.
Molecular consequence: missense variant. On other transcripts: non-coding transcript variant (1).
Genome position (GRCh38, 1-based): chr12:49,600,938, C>A on the plus strand (G>T on the coding strand, the complement: FAM186B is on the minus strand). VCF-style: chr12-49600938-C-A. GRCh37 (hg19) VCF-style: chr12-49994721-C-A.
Other names: short protein forms R234S.
Identifiers: ClinVar variation 2017809 (VCV002017809.4), dbSNP rs1939877005, ClinGen allele CA384725445.
Genomic context (GRCh38, chr12:49,600,938, plus strand): 5'-GTTCTCCTTGTGTTGGAGGATCAAGGCCTTGTTGAGGTTCTCCACCACAGTGGCCATGTA[C>A]CTGATGGCCCTGACCTCCCCCTTGCTGAACATGGTAGAGTCCAGGAGCTCCTGCAGCATG-3'
Protein context (NP_115506.1, residues 224-244): MFSKGEVRAI[Arg234Ser]YMATVVENLN